The following is an entry in ClinVar:

NM_006420.3(ARFGEF2):c.4180-63A>G

Gene: ARFGEF2 (ARF guanine nucleotide exchange factor 2; plus strand). Cytogenetic location: 20q13.13.
Variant type: single nucleotide variant.
Coding change: c.4180-63A>G on transcript NM_006420.3 (MANE Select); 63 bases into the intron before coding-DNA position 4180, A replaced by G.
Molecular consequence: intron variant.
Genome position (GRCh38, 1-based): chr20:49,016,217, A>G. VCF-style: chr20-49016217-A-G. GRCh37 (hg19) VCF-style: chr20-47632754-A-G.
Identifiers: ClinVar variation 679360 (VCV000679360.5), dbSNP rs1473718, ClinGen allele CA14843776.
Genomic context (GRCh38, chr20:49,016,217, plus strand): 5'-AAGACGTATTCTTGATACATATCACCAAATTGCTTTCTACAACAGTTTTGCCAGGAGTGT[A>G]CAAGAATGCCCATCTCACTGCAGGGAGAATAGCTTTTAAGTGTCATCTTTTTGTTTTCCC-3'

ClinVar aggregate classification (germline): Benign. Review status: criteria provided, multiple submitters, no conflicts (2 of 4 stars). 3 submissions from 3 submitters: Benign (3). Last evaluated 2021-07-14.

Conditions:
Periventricular heterotopia with microcephaly, autosomal recessive (ARPHM). Also called: Periventricular heterotopia with microcephaly; PERIVENTRICULAR NODULAR HETEROTOPIA 2. Identifiers: Orphanet 2149, MedGen C1842563, MONDO:0011966, OMIM 608097.

Allele frequency attached by ClinVar (database versions not stated): gnomAD 0.23772 and 0.24619; TOPMed 0.24924; gnomAD exomes 0.28061; 1000 Genomes Project 30x 0.28873; 1000 Genomes Project 0.29213.
gnomAD v4.1: 440,514 of 1,587,730 alleles (28%); highest among the groups gnomAD compares: East Asian, 45%; 64,414 homozygotes.

Submissions (3):

Genome-Nilou Lab
Classification: Benign for Periventricular heterotopia with microcephaly, autosomal recessive. Last evaluated: 2021-07-14. Review status: criteria provided, single submitter. Criteria: ACMG Guidelines, 2015. Collection method: clinical testing. Allele origin: germline. Affected: no.

GeneDx
Classification: Benign. Last evaluated: 2018-06-19. Review status: criteria provided, single submitter. Criteria: GeneDx Variant Classification (06012015). Collection method: clinical testing. Allele origin: germline. Affected: yes.
Comment: This variant is considered likely benign or benign based on one or more of the following criteria: it is a conservative change, it occurs at a poorly conserved position in the protein, it is predicted to be benign by multiple in silico algorithms, and/or has population frequency not consistent with disease.

Breakthrough Genomics
Classification: Benign. Review status: criteria provided, single submitter. Criteria: ACMG Guidelines, 2015. Collection method: not provided. Allele origin: germline. Inheritance: Autosomal recessive inheritance. Affected: yes.